The following is an entry in ClinVar:

NM_001194998.2(CEP152):c.2148-17G>A

Gene: CEP152 (centrosomal protein 152; minus strand). Cytogenetic location: 15q21.1.
Variant type: single nucleotide variant.
Coding change: c.2148-17G>A on transcript NM_001194998.2 (MANE Select); 17 bases into the intron before coding-DNA position 2148, G replaced by A.
Molecular consequence: intron variant.
Genome position (GRCh38, 1-based): chr15:48,767,209, C>T on the plus strand (G>A on the coding strand, the complement: CEP152 is on the minus strand). VCF-style: chr15-48767209-C-T. GRCh37 (hg19) VCF-style: chr15-49059406-C-T.
Other names: c.2148-17G>A (NM_014985.4, NM_014985.3).
Identifiers: ClinVar variation 800949 (VCV000800949.4), dbSNP rs751691427, ClinGen allele CA7548646.

ClinVar aggregate classification (germline): Uncertain significance. Review status: criteria provided, multiple submitters, no conflicts (2 of 4 stars). 4 submissions from 4 submitters: Uncertain significance (3). 1 of the submissions does not count toward it. Last evaluated 2025-03-27.

Conditions:
Microcephaly 9, primary, autosomal recessive. Identifiers: Orphanet 2512, MedGen C3553886, MONDO:0013923, OMIM 614852.

Allele frequency attached by ClinVar (database versions not stated): TOPMed 0.00001; gnomAD 0.00002 and 0.00003; gnomAD exomes 0.00005 and 0.00008; ExAC 0.00012.
gnomAD v4.1: 89 of 1,613,656 alleles (0.0055%); highest among the groups gnomAD compares: Middle Eastern, 0.082%; 1 homozygote.

Submissions (4):

GeneDx
Classification: Uncertain significance. Last evaluated: 2025-03-27. Review status: criteria provided, single submitter. Criteria: GeneDx Variant Classification Process June 2021. Collection method: clinical testing. Allele origin: germline. Affected: yes.
Comment: In silico analysis supports a deleterious effect on splicing; This variant is associated with the following publications: (PMID: 28454995, 34426522)

Blueprint Genetics
Classification: Uncertain significance. Last evaluated: 2024-10-11. Review status: criteria provided, single submitter. Criteria: ACMG Guidelines, 2015. Collection method: clinical testing. Allele origin: germline.

Women's Health and Genetics/Laboratory Corporation of America, LabCorp
Classification: Uncertain significance. Last evaluated: 2023-08-29. Review status: criteria provided, single submitter. Criteria: LabCorp Variant Classification Summary - May 2015. Collection method: clinical testing. Allele origin: germline.
Comment: Variant summary: CEP152 c.2148-17G>A alters a non-conserved nucleotide located at a position not widely known to affect splicing. Several computational tools predict a significant impact on normal splicing: Two predict the variant weakens a 3' acceptor site. One predict the variant no significant impact on splicing. However, these predictions have yet to be confirmed by functional studies. The variant allele was found at a frequency of 8.4e-05 in 249216 control chromosomes. c.2148-17G>A has been reported in the literature in individuals affected with CEP152-Related Disorders (Alfares_2017). These data indicate that the variant may be associated with disease. To our knowledge, no experimental evidence demonstrating an impact on protein function has been reported. The following publication have been ascertained in the context of this evaluation (PMID: 28454995). One submitter has cited clinical-significance assessments for this variant to ClinVar after 2014 and has classified the variant as likely pathogenic. Based on the evidence outlined above, the variant was classified as VUS-possibly pathogenic.

Biochemical Molecular Genetic Laboratory, King Abdulaziz Medical City
Classification: Likely pathogenic for Microcephaly 9, primary, autosomal recessive. Last evaluated: 2019-09-26. Review status: no assertion criteria provided. Collection method: clinical testing. Allele origin: germline. Affected: yes. Not counted in ClinVar's aggregate classification.

Literature cited by the submitters: PubMed 28454995 (cited by Women's Health and Genetics/Laboratory Corporation of America, LabCorp).